The following is an entry in ClinVar:

ClinVar aggregate classification (germline): Pathogenic (1 of 4 stars; one submission).

Conditions:
CEP290-related ciliopathy. Also called: CEP290 ciliopathy. Identifiers: MedGen CN305601, MONDO:0100451.

Submission:

Myriad Genetics, Inc.
Classification: Pathogenic for CEP290-related ciliopathy. Last evaluated: 2026-05-22. Review status: criteria provided, single submitter. Criteria: Myriad Autosomal Dominant, Autosomal Recessive and X-Linked Classification Criteria (2023). Collection method: clinical testing. Allele origin: unknown.
Comment: NM_025114.3(CEP290):c.1016delA(K339Rfs*33) is expected to be pathogenic in the context of CEP290-related disorders. This variant is predicted to lead to an abnormal or absent protein product due to the creation of a premature termination codon in CEP290, a gene where loss-of-function variants are known to be pathogenic. Please note: this variant was assessed in the context of healthy population screening.

NM_025114.4(CEP290):c.1016del (p.Lys339fs)

Gene: CEP290 (centrosomal protein 290; minus strand). Cytogenetic location: 12q21.32.
Variant type: Deletion.
Coding change: c.1016del on transcript NM_025114.4 (MANE Select); coding-DNA position 1016, one base deleted (A; older notation c.1016delA).
Protein change: p.Lys339fs; shifts the reading frame from lysine 339.
Molecular consequence: frameshift variant.
Genome position (GRCh38, 1-based): chr12:88,126,365, T deleted on the plus strand (A on the coding strand, the reverse complement: CEP290 is on the minus strand); the first of 2 consecutive T bases (chr12:88,126,365-88,126,366); deleting either gives the same sequence. VCF-style (leftmost placement, unchanged base first): chr12-88126364-CT-C. GRCh37 (hg19) VCF-style: chr12-88520141-CT-C.
Other names: short protein forms K339fs.
Identifiers: ClinVar variation 5015947 (VCV005015947.1).